The following is an entry in ClinVar:

NM_001025295.3(IFITM5):c.185A>G (p.Lys62Arg)

Gene: IFITM5 (interferon induced transmembrane protein 5; minus strand). Cytogenetic location: 11p15.5.
Variant type: single nucleotide variant.
Coding change: c.185A>G on transcript NM_001025295.3 (MANE Select); coding-DNA position 185, A replaced by G.
Protein change: p.Lys62Arg; replaces lysine 62 with arginine.
Molecular consequence: missense variant.
Genome position (GRCh38, 1-based): chr11:299,306, T>C on the plus strand (A>G on the coding strand, the complement: IFITM5 is on the minus strand). VCF-style: chr11-299306-T-C. GRCh37 (hg19) VCF-style: chr11-299306-T-C.
Other names: short protein forms K62R.
Identifiers: ClinVar variation 1999077 (VCV001999077.4), dbSNP rs2539164834, ClinGen allele CA378890561.

ClinVar aggregate classification (germline): Uncertain significance (1 of 4 stars; one submission).

Submission:

Labcorp Genetics (formerly Invitae), Labcorp
Classification: Uncertain significance. Last evaluated: 2022-05-25. Review status: criteria provided, single submitter. Criteria: Invitae Variant Classification Sherloc (09022015). Collection method: clinical testing. Allele origin: germline.
Comment: This sequence change replaces lysine, which is basic and polar, with arginine, which is basic and polar, at codon 62 of the IFITM5 protein (p.Lys62Arg). This variant is not present in population databases (gnomAD no frequency). This variant has not been reported in the literature in individuals affected with IFITM5-related conditions. Algorithms developed to predict the effect of missense changes on protein structure and function are either unavailable or do not agree on the potential impact of this missense change (SIFT: "Deleterious"; PolyPhen-2: "Probably Damaging"; Align-GVGD: "Class C0"). Algorithms developed to predict the effect of sequence changes on RNA splicing suggest that this variant may create or strengthen a splice site. In summary, the available evidence is currently insufficient to determine the role of this variant in disease. Therefore, it has been classified as a Variant of Uncertain Significance.